The following is an entry in ClinVar:

ClinVar aggregate classification (germline): Conflicting classifications of pathogenicity. Review status: criteria provided, conflicting classifications (1 of 4 stars). 4 submissions from 4 submitters: Uncertain significance (3); Likely benign (1). Last evaluated 2025-08-25.

Conditions:
Inborn genetic diseases. Identifiers: MedGen C0950123, MeSH D030342.
HUWE1-related disorder. Also called: HUWE1-related condition.

Allele frequency attached by ClinVar (database versions not stated): gnomAD 0.00005; TOPMed 0.00005.
gnomAD v4.1: 18 of 1,204,074 alleles (0.0015%); highest among the groups gnomAD compares: African/African-American, 0.0035%; no homozygotes.

Submissions (4):

Ambry Genetics
Classification: Uncertain significance for Inborn genetic diseases. Last evaluated: 2025-08-25. Review status: criteria provided, single submitter. Criteria: Ambry Variant Classification Scheme 2023. Collection method: clinical testing. Allele origin: germline.

Labcorp Genetics (formerly Invitae), Labcorp
Classification: Uncertain significance. Last evaluated: 2025-08-24. Review status: criteria provided, single submitter. Criteria: Invitae Variant Classification Sherloc (09022015). Collection method: clinical testing. Allele origin: germline.
Comment: This sequence change replaces threonine, which is neutral and polar, with methionine, which is neutral and non-polar, at codon 1703 of the HUWE1 protein (p.Thr1703Met). This variant is present in population databases (no rsID available, gnomAD 0.02%), including at least one homozygous and/or hemizygous individual. This variant has not been reported in the literature in individuals affected with HUWE1-related conditions. ClinVar contains an entry for this variant (Variation ID: 1723246). Invitae Evidence Modeling of protein sequence and biophysical properties (such as structural, functional, and spatial information, amino acid conservation, physicochemical variation, residue mobility, and thermodynamic stability) has been performed for this missense variant. However, the output from this modeling did not meet the statistical confidence thresholds required to predict the impact of this variant on HUWE1 protein function. In summary, the available evidence is currently insufficient to determine the role of this variant in disease. Therefore, it has been classified as a Variant of Uncertain Significance.

Women's Health and Genetics/Laboratory Corporation of America, LabCorp
Classification: Likely benign. Last evaluated: 2024-04-23. Review status: criteria provided, single submitter. Criteria: LabCorp Variant Classification Summary - May 2015. Collection method: clinical testing. Allele origin: germline.
Comment: Variant summary: HUWE1 c.5108C>T (p.Thr1703Met) results in a non-conservative amino acid change in the encoded protein sequence. Three of five in-silico tools predict a benign effect of the variant on protein function. The variant allele was found at a frequency of 1.5e-05 in 1204074 control chromosomes, including 7 hemizygotes (gnomAD 4.0.0) suggesting a benign role for the variant. To our knowledge, no occurrence of c.5108C>T in individuals affected with Intellectual Disability, X-Linked Syndromic, Turner Type and no experimental evidence demonstrating its impact on protein function have been reported. ClinVar contains an entry for this variant (Variation ID: 1723246). Based on the evidence outlined above, the variant was classified as likely benign.

PreventionGenetics, part of Exact Sciences
Classification: Uncertain significance for HUWE1-related condition. Last evaluated: 2023-07-10. Review status: criteria provided, single submitter. Criteria: ACMG Guidelines, 2015. Collection method: clinical testing. Allele origin: germline.
Comment: The HUWE1 c.5108C>T variant is predicted to result in the amino acid substitution p.Thr1703Met. To our knowledge, this variant has not been reported in the literature. This variant is reported in 0.017% of alleles in individuals of African descent in gnomAD. Although we suspect that this variant may be benign, at this time, the clinical significance of this variant is uncertain due to the absence of conclusive functional and genetic evidence.

NM_031407.7(HUWE1):c.5108C>T (p.Thr1703Met)

Gene: HUWE1 (HECT, UBA and WWE domain containing E3 ubiquitin protein ligase 1; minus strand). Cytogenetic location: Xp11.22.
Variant type: single nucleotide variant.
Coding change: c.5108C>T on transcript NM_031407.7 (MANE Select); coding-DNA position 5108, C replaced by T.
Protein change: p.Thr1703Met; replaces threonine 1703 with methionine.
Molecular consequence: missense variant.
Genome position (GRCh38, 1-based): chrX:53,584,239, G>A on the plus strand (C>T on the coding strand, the complement: HUWE1 is on the minus strand). VCF-style: chrX-53584239-G-A. GRCh37 (hg19) VCF-style: chrX-53611199-G-A.
Other names: c.5108C>T (NM_031407.4); short protein forms T1703M.
Identifiers: ClinVar variation 1723246 (VCV001723246.5), dbSNP rs1047233939, ClinGen allele CA329198077.